The following is an entry in ClinVar:

NM_001367624.2(ZNF469):c.3546G>T (p.Ala1182=)

Gene: ZNF469 (zinc finger protein 469; plus strand). Cytogenetic location: 16q24.2.
Variant type: single nucleotide variant.
Coding change: c.3546G>T on transcript NM_001367624.2 (MANE Select); coding-DNA position 3546, G replaced by T.
Protein change: p.Ala1182=; no amino-acid change (alanine 1182 retained).
Molecular consequence: synonymous variant.
Genome position (GRCh38, 1-based): chr16:88,431,016, G>T. VCF-style: chr16-88431016-G-T. GRCh37 (hg19) VCF-style: chr16-88497424-G-T.
Other names: NM_001127464.1:c.3462G>T; p.Ala1182=.
Identifiers: ClinVar variation 1731655 (VCV001731655.7), dbSNP rs1344973258, ClinGen allele CA497354285.

ClinVar aggregate classification (germline): Likely benign. Review status: criteria provided, multiple submitters, no conflicts (2 of 4 stars). 4 submissions from 4 submitters: Likely benign (4). Last evaluated 2026-01-06.

Conditions:
Cardiovascular phenotype. Identifiers: MedGen CN230736.

Allele frequency attached by ClinVar (database versions not stated): gnomAD 0.00002.
gnomAD v4.1: 10 of 1,543,862 alleles (0.00065%); highest among the groups gnomAD compares: Middle Eastern, 0.034%; no homozygotes.

Submissions (4):

Labcorp Genetics (formerly Invitae), Labcorp
Classification: Likely benign. Last evaluated: 2026-01-06. Review status: criteria provided, single submitter. Criteria: Invitae Variant Classification Sherloc (09022015). Collection method: clinical testing. Allele origin: germline.

Mayo Clinic Laboratories, Mayo Clinic
Classification: Likely benign. Last evaluated: 2025-09-24. Review status: criteria provided, single submitter. Criteria: ACMG Guidelines, 2015. Collection method: clinical testing. Allele origin: germline. Observed: 1 variant allele.
Comment: BP4, BP7, PM2_supporting

Blueprint Genetics
Classification: Likely benign. Last evaluated: 2024-08-06. Review status: criteria provided, single submitter. Criteria: ACMG Guidelines, 2015. Collection method: clinical testing. Allele origin: germline.

Ambry Genetics
Classification: Likely benign for Cardiovascular phenotype. Last evaluated: 2019-12-08. Review status: criteria provided, single submitter. Criteria: Ambry Variant Classification Scheme 2023. Collection method: clinical testing. Allele origin: germline.